The following is an entry in ClinVar:

NM_022829.6(SLC13A3):c.145G>A (p.Ala49Thr)

Gene: SLC13A3 (solute carrier family 13 member 3; minus strand). Cytogenetic location: 20q13.12.
Variant type: single nucleotide variant.
Coding change: c.145G>A on transcript NM_022829.6 (MANE Select); coding-DNA position 145, G replaced by A.
Protein change: p.Ala49Thr; replaces alanine 49 with threonine.
Molecular consequence: missense variant. On other transcripts: intron variant (1).
Genome position (GRCh38, 1-based): chr20:46,613,692, C>T on the plus strand (G>A on the coding strand, the complement: SLC13A3 is on the minus strand). VCF-style: chr20-46613692-C-T. GRCh37 (hg19) VCF-style: chr20-45242331-C-T.
Other names: c.4G>A, p.Ala2Thr (NM_001011554.3, NM_001193340.2); c.145G>A, p.Ala49Thr (NM_001193339.2); c.-10-140G>A (NM_001193342.2); short protein forms A2T, A49T.
Identifiers: ClinVar variation 2413220 (VCV002413220.4), dbSNP rs763687620, ClinGen allele CA9891708.

ClinVar aggregate classification (germline): Uncertain significance (1 of 4 stars; one submission).

Allele frequency attached by ClinVar (database versions not stated): gnomAD exomes below 0.00001; ExAC 0.00001; gnomAD 0.00001.
gnomAD v4.1: 6 of 1,607,240 alleles (0.00037%); highest among the groups gnomAD compares: Non-Finnish European, 0.00051%; no homozygotes.

Submission:

Labcorp Genetics (formerly Invitae), Labcorp
Classification: Uncertain significance. Last evaluated: 2022-10-19. Review status: criteria provided, single submitter. Criteria: Invitae Variant Classification Sherloc (09022015). Collection method: clinical testing. Allele origin: germline.
Comment: The frequency data for this variant in the population databases is considered unreliable, as metrics indicate poor data quality at this position in the gnomAD database. This variant has not been reported in the literature in individuals affected with SLC13A3-related conditions. This sequence change replaces alanine, which is neutral and non-polar, with threonine, which is neutral and polar, at codon 49 of the SLC13A3 protein (p.Ala49Thr). In summary, the available evidence is currently insufficient to determine the role of this variant in disease. Therefore, it has been classified as a Variant of Uncertain Significance. Advanced modeling of protein sequence and biophysical properties (such as structural, functional, and spatial information, amino acid conservation, physicochemical variation, residue mobility, and thermodynamic stability) has been performed at Invitae for this missense variant, however the output from this modeling did not meet the statistical confidence thresholds required to predict the impact of this variant on SLC13A3 protein function.